The following is an entry in ClinVar:

ClinVar aggregate classification (germline): Uncertain significance (1 of 4 stars; one submission).

gnomAD v4.1: 3 of 1,611,902 alleles (0.00019%); highest among the groups gnomAD compares: African/African-American, 0.0013%; no homozygotes.

Submission:

Labcorp Genetics (formerly Invitae), Labcorp
Classification: Uncertain significance. Last evaluated: 2025-10-06. Review status: criteria provided, single submitter. Criteria: Invitae Variant Classification Sherloc (09022015). Collection method: clinical testing. Allele origin: germline.
Comment: This sequence change replaces glutamic acid, which is acidic and polar, with lysine, which is basic and polar, at codon 584 of the LEMD3 protein (p.Glu584Lys). This variant is present in population databases (no rsID available, gnomAD 0.003%). This variant has not been reported in the literature in individuals affected with LEMD3-related conditions. Invitae Evidence Modeling of protein sequence and biophysical properties (such as structural, functional, and spatial information, amino acid conservation, physicochemical variation, residue mobility, and thermodynamic stability) indicates that this missense variant is not expected to disrupt LEMD3 protein function with a negative predictive value of 80%. In summary, the available evidence is currently insufficient to determine the role of this variant in disease. Therefore, it has been classified as a Variant of Uncertain Significance.

NM_014319.5(LEMD3):c.1750G>A (p.Glu584Lys)

Gene: LEMD3 (LEM domain containing 3; plus strand). Cytogenetic location: 12q14.3.
Variant type: single nucleotide variant.
Coding change: c.1750G>A on transcript NM_014319.5 (MANE Select); coding-DNA position 1750, G replaced by A.
Protein change: p.Glu584Lys; replaces glutamic acid 584 with lysine.
Molecular consequence: missense variant.
Genome position (GRCh38, 1-based): chr12:65,238,556, G>A. VCF-style: chr12-65238556-G-A. GRCh37 (hg19) VCF-style: chr12-65632336-G-A.
Other names: c.1747G>A, p.Glu583Lys (NM_001167614.2); short protein forms E583K, E584K.
Identifiers: ClinVar variation 4743683 (VCV004743683.1).
Genomic context (GRCh38, chr12:65,238,556, plus strand): 5'-TGTTAGGATTTAGGTCCTGAATATGAAGGTATATTTAACACTTCATTGCAGTGGATCTTA[G>A]AAAATGGAAAAGATGTTGGAATAAGGTAAAGGATCTGATTTCCACTTTGACCATTCTGTA-3'
Protein context (NP_055134.2, residues 574-594): IFNTSLQWIL[Glu584Lys]NGKDVGIRCV